The following is an entry in ClinVar:

ClinVar aggregate classification (germline): Uncertain significance (1 of 4 stars; one submission).

gnomAD v4.1: 4 of 1,611,850 alleles (0.00025%); highest among the groups gnomAD compares: Non-Finnish European, 0.00034%; no homozygotes.

Submission:

CeGaT Center for Human Genetics Tuebingen
Classification: Uncertain significance. Last evaluated: 2023-10-01. Review status: criteria provided, single submitter. Criteria: CeGaT Center For Human Genetics Tuebingen Variant Classification Criteria Version 2. Collection method: clinical testing. Allele origin: germline. Affected: yes. Observed: 1 variant allele.
Comment: DNAH17: PM2

NM_173628.4(DNAH17):c.10712G>T (p.Arg3571Leu)

Gene: DNAH17 (dynein axonemal heavy chain 17; minus strand). Cytogenetic location: 17q25.3.
Variant type: single nucleotide variant.
Coding change: c.10712G>T on transcript NM_173628.4 (MANE Select); coding-DNA position 10712, G replaced by T.
Protein change: p.Arg3571Leu; replaces arginine 3571 with leucine.
Molecular consequence: missense variant.
Genome position (GRCh38, 1-based): chr17:78,451,491, C>A on the plus strand (G>T on the coding strand, the complement: DNAH17 is on the minus strand). VCF-style: chr17-78451491-C-A. GRCh37 (hg19) VCF-style: chr17-76447573-C-A.
Other names: short protein forms R3571L.
Identifiers: ClinVar variation 2648354 (VCV002648354.24), dbSNP rs564392079, ClinGen allele CA401258269.